The following is an entry in ClinVar:

ClinVar aggregate classification (germline): Uncertain significance. Review status: criteria provided, multiple submitters, no conflicts (2 of 4 stars). 3 submissions from 3 submitters: Uncertain significance (2). 1 of the submissions does not count toward it. Last evaluated 2024-02-21.

Conditions:
Hypokalemic periodic paralysis, type 1. Also called: HypoPP; Hypokalemic Periodic Paralysis Type 1 (AD). Identifiers: Orphanet 681, MedGen C3714580, MONDO:0042979, OMIM 170400.
Potassium-aggravated myotonia. Also called: MYOTONIA CONGENITA, ACETAZOLAMIDE-RESPONSIVE; MYOTONIA CONGENITA, ATYPICAL; SODIUM CHANNEL MUSCLE DISEASE; Myotonia congenita, atypical, acetazolamide-responsive. Identifiers: Orphanet 612, Orphanet 99734, Orphanet 99735, Orphanet 99736, MedGen C2931826, MONDO:0018959, OMIM 608390.
Hypokalemic periodic paralysis, type 2 (HOKPP2). Identifiers: Orphanet 681, MedGen C2750061, MONDO:0013234, OMIM 613345.
Hyperkalemic periodic paralysis. Also called: Familial hyperkalemic periodic paralysis; Gamstorp disease. Identifiers: Orphanet 682, MedGen C0238357, MONDO:0008224, OMIM 170500, HP:0007215.
Paramyotonia congenita of Von Eulenburg. Also called: PARALYSIS PERIODICA PARAMYOTONICA; Paramyotonia Congenita; Eulenburg disease; Myotonia congenita intermittens; Von Eulenburg paramyotonia congenita. Identifiers: Orphanet 684, MedGen C0221055, MONDO:0008195, OMIM 168300. Disease mechanism: loss of function.
Congenital myasthenic syndrome 16. Identifiers: Orphanet 590, MedGen C3280112, MONDO:0013620, OMIM 614198.
Congenital myopathy 22A, classic (CMYO22A). Identifiers: MedGen C5830453, MONDO:0957247, OMIM 620351.
Congenital myopathy 22B, severe fetal (CMYO22B). Identifiers: MedGen C5830501, MONDO:0957265, OMIM 620369.

Allele frequency attached by ClinVar (database versions not stated): gnomAD 0.00001; gnomAD exomes 0.00001.
gnomAD v4.1: 17 of 1,613,942 alleles (0.0011%); highest among the groups gnomAD compares: East Asian, 0.038%; no homozygotes.

Submissions (3):

Fulgent Genetics
Classification: Uncertain significance for Paramyotonia congenita of Von Eulenburg; Hyperkalemic periodic paralysis; Potassium-aggravated myotonia; Hypokalemic periodic paralysis, type 2; Congenital myasthenic syndrome 16; Congenital myopathy 22A, classic; Congenital myopathy 22B, severe fetal. Last evaluated: 2024-02-21. Review status: criteria provided, single submitter. Criteria: ACMG Guidelines, 2015. Collection method: clinical testing. Allele origin: germline.

GeneDx
Classification: Uncertain significance. Last evaluated: 2020-04-27. Review status: criteria provided, single submitter. Criteria: GeneDx Variant Classification Process June 2021. Collection method: clinical testing. Allele origin: germline. Affected: yes.
Comment: Has not been previously published as pathogenic or benign to our knowledge; Not observed at a significant frequency in large population cohorts (Lek et al., 2016); In silico analysis, which includes protein predictors and evolutionary conservation, supports a deleterious effect

Department of Neurology and Geriatrics, Kagoshima University Graduate School of Medical and Dental Sciences
Classification: Uncertain significance for Hypokalemic periodic paralysis, type 1. Last evaluated: 2022-04-12. Review status: no assertion criteria provided. Collection method: research. Allele origin: germline. Affected: yes. Not counted in ClinVar's aggregate classification.

NM_000334.4(SCN4A):c.4937C>A (p.Thr1646Asn)

Genes: GH-LCR (growth hormone locus control region; plus strand), SCN4A (sodium voltage-gated channel alpha subunit 4; minus strand). Cytogenetic location: 17q23.3.
Variant type: single nucleotide variant.
Coding change: c.4937C>A on transcript NM_000334.4 (MANE Select); coding-DNA position 4937, C replaced by A.
Protein change: p.Thr1646Asn; replaces threonine 1646 with asparagine.
Molecular consequence: missense variant.
Genome position (GRCh38, 1-based): chr17:63,941,345, G>T on the plus strand (C>A on the coding strand, the complement: SCN4A is on the minus strand). VCF-style: chr17-63941345-G-T. GRCh37 (hg19) VCF-style: chr17-62018705-G-T.
Other names: short protein forms T1646N.
Identifiers: ClinVar variation 1185909 (VCV001185909.4), dbSNP rs1345007864, ClinGen allele CA400614503.